The following is an entry in ClinVar:

NM_013382.7(POMT2):c.249-109A>G

Gene: POMT2 (protein O-mannosyltransferase 2; minus strand). Cytogenetic location: 14q24.3.
Variant type: single nucleotide variant.
Coding change: c.249-109A>G on transcript NM_013382.7 (MANE Select); 109 bases into the intron before coding-DNA position 249, A replaced by G.
Molecular consequence: intron variant.
Genome position (GRCh38, 1-based): chr14:77,312,142, T>C on the plus strand (A>G on the coding strand, the complement: POMT2 is on the minus strand). VCF-style: chr14-77312142-T-C. GRCh37 (hg19) VCF-style: chr14-77778485-T-C.
Identifiers: ClinVar variation 673020 (VCV000673020.2), dbSNP rs61442105, ClinGen allele CA263789431.

ClinVar aggregate classification (germline): Benign. Review status: criteria provided, multiple submitters, no conflicts (2 of 4 stars). 2 submissions from 2 submitters: Benign (2). Last evaluated 2018-06-16.

Allele frequency attached by ClinVar (database versions not stated): gnomAD exomes 0.04033; 1000 Genomes Project 0.05351; 1000 Genomes Project 30x 0.05575; gnomAD 0.05815 and 0.06033; TOPMed 0.05883.
gnomAD v4.1: 62,422 of 1,477,820 alleles (4.2%); highest among the groups gnomAD compares: African/African-American, 11%; 1,639 homozygotes.

Submissions (2):

GeneDx
Classification: Benign. Last evaluated: 2018-06-16. Review status: criteria provided, single submitter. Criteria: GeneDx Variant Classification (06012015). Collection method: clinical testing. Allele origin: germline. Affected: yes.
Comment: This variant is considered likely benign or benign based on one or more of the following criteria: it is a conservative change, it occurs at a poorly conserved position in the protein, it is predicted to be benign by multiple in silico algorithms, and/or has population frequency not consistent with disease.

Breakthrough Genomics
Classification: Benign. Review status: criteria provided, single submitter. Criteria: ACMG Guidelines, 2015. Collection method: not provided. Allele origin: germline. Inheritance: Autosomal recessive inheritance. Affected: yes.